The following is an entry in ClinVar:

NM_002335.4(LRP5):c.616G>A (p.Glu206Lys)

Gene: LRP5 (LDL receptor related protein 5; plus strand). Cytogenetic location: 11q13.2.
Variant type: single nucleotide variant.
Coding change: c.616G>A on transcript NM_002335.4 (MANE Select); coding-DNA position 616, G replaced by A.
Protein change: p.Glu206Lys; replaces glutamic acid 206 with lysine.
Molecular consequence: missense variant. On other transcripts: 5 prime UTR variant (1).
Genome position (GRCh38, 1-based): chr11:68,357,777, G>A. VCF-style: chr11-68357777-G-A. GRCh37 (hg19) VCF-style: chr11-68125245-G-A.
Other names: c.-1150G>A (NM_001291902.2); short protein forms E206K.
Identifiers: ClinVar variation 1379672 (VCV001379672.6), dbSNP rs1327470854, ClinGen allele CA381611899.

ClinVar aggregate classification (germline): Uncertain significance (1 of 4 stars; one submission).

Allele frequency attached by ClinVar (database versions not stated): gnomAD exomes below 0.00001 and 0.00001; gnomAD 0.00001.

Submission:

Labcorp Genetics (formerly Invitae), Labcorp
Classification: Uncertain significance. Last evaluated: 2021-09-04. Review status: criteria provided, single submitter. Criteria: Invitae Variant Classification Sherloc (09022015). Collection method: clinical testing. Allele origin: germline.
Comment: This variant has not been reported in the literature in individuals affected with LRP5-related conditions. In summary, the available evidence is currently insufficient to determine the role of this variant in disease. Therefore, it has been classified as a Variant of Uncertain Significance. Advanced modeling of protein sequence and biophysical properties (such as structural, functional, and spatial information, amino acid conservation, physicochemical variation, residue mobility, and thermodynamic stability) performed at Invitae indicates that this missense variant is not expected to disrupt LRP5 protein function. This variant is not present in population databases (ExAC no frequency). This sequence change replaces glutamic acid with lysine at codon 206 of the LRP5 protein (p.Glu206Lys). The glutamic acid residue is highly conserved and there is a small physicochemical difference between glutamic acid and lysine.